The following is an entry in ClinVar:

ClinVar aggregate classification (germline): Pathogenic (1 of 4 stars; one submission).

Conditions:
Neurofibromatosis, type 2 (SWNV). Also called: SCHWANNOMATOSIS, VESTIBULAR; BILATERAL ACOUSTIC NEUROFIBROMATOSIS; NF2-Related Schwannomatosis. Identifiers: Orphanet 637, MedGen C0027832, MONDO:0007039, OMIM 101000. Disease mechanism: loss of function.

Submission:

Labcorp Genetics (formerly Invitae), Labcorp
Classification: Pathogenic for Neurofibromatosis, type 2. Last evaluated: 2022-08-30. Review status: criteria provided, single submitter. Criteria: Invitae Variant Classification Sherloc (09022015). Collection method: clinical testing. Allele origin: germline.
Comment: For these reasons, this variant has been classified as Pathogenic. This variant has not been reported in the literature in individuals affected with NF2-related conditions. This variant is a gross deletion of the genomic region encompassing exon(s) 5-6 of the NF2 gene. This deletion is out-of-frame, and is expected to create a premature termination codon and result in an absent or disrupted protein product. Loss-of-function variants in NF2 are known to be pathogenic (PMID: 9643284, 16983642).

Literature cited by the submitters: PubMed 9643284; PubMed 16983642.

NC_000022.10:g.(?_30050636)_(30051675_?)del

Gene: NF2 (NF2, moesin-ezrin-radixin like (MERLIN) tumor suppressor; plus strand). Cytogenetic location: 22q12.2.
Variant type: Deletion.
Identifiers: ClinVar variation 2422757 (VCV002422757.8).